The following is an entry in ClinVar:

NM_000443.4(ABCB4):c.2851T>C (p.Ser951Pro)

Gene: ABCB4 (ATP binding cassette subfamily B member 4; minus strand). Cytogenetic location: 7q21.12.
Variant type: single nucleotide variant.
Coding change: c.2851T>C on transcript NM_000443.4 (MANE Select); coding-DNA position 2851, T replaced by C.
Protein change: p.Ser951Pro; replaces serine 951 with proline.
Molecular consequence: missense variant. On other transcripts: intron variant (1).
Genome position (GRCh38, 1-based): chr7:87,411,966, A>G on the plus strand (T>C on the coding strand, the complement: ABCB4 is on the minus strand). VCF-style: chr7-87411966-A-G. GRCh37 (hg19) VCF-style: chr7-87041282-A-G.
Other names: c.2851T>C, p.Ser951Pro (NM_018849.3); c.2783+1651T>C (NM_018850.3); short protein forms S951P.
Identifiers: ClinVar variation 4846629 (VCV004846629.1).

ClinVar aggregate classification (germline): Uncertain significance (1 of 4 stars; one submission).

Conditions:
Low phospholipid associated cholelithiasis (GBD1). Also called: Gallbladder disease 1; Gallstone cholecystitis. Identifiers: Orphanet 69663, MedGen C2609268, MONDO:0010939, OMIM 600803.

Submission:

Genomenon, Inc
Classification: Uncertain significance for Low phospholipid associated cholelithiasis. Last evaluated: 2026-04-14. Review status: criteria provided, single submitter. Criteria: Genomenon Sequence Variant Interpretation Standards - Updated. Collection method: curation. Allele origin: germline. Affected: yes.
Comment: ABCB4 p.Ser951Pro (c.2851T>C) is a missense variant that changes the amino acid at residue 951 from Serine to Proline. This variant has been observed in at least one proband with an ABCB4-related disorder (PMID:28733223). It is absent or not present at a significant frequency in gnomAD. In silico models predict that this variant is possibly or probably damaging. In conclusion, we classify ABCB4 p.Ser951Pro (c.2851T>C) as a variant of uncertain significance.

Literature cited by the submitters: PubMed 28733223.